The following is an entry in ClinVar:

ClinVar aggregate classification (germline): Likely benign. Review status: criteria provided, multiple submitters, no conflicts (2 of 4 stars). 2 submissions from 2 submitters: Likely benign (2). Last evaluated 2026-09-01.

Allele frequency attached by ClinVar (database versions not stated): 1000 Genomes Project 30x 0.00172; TOPMed 0.00329.
gnomAD v4.1: 6,686 of 1,612,770 alleles (0.41%); highest among the groups gnomAD compares: Middle Eastern, 1%; 28 homozygotes.

Submissions (2):

CeGaT Center for Human Genetics Tuebingen
Classification: Likely benign. Last evaluated: 2026-09-01. Review status: criteria provided, single submitter. Criteria: CeGaT Center For Human Genetics Tuebingen Variant Classification Criteria Version 2. Collection method: clinical testing. Allele origin: germline. Affected: yes. Observed: 56 variant alleles.
Comment: WWOX: BS2

Breakthrough Genomics
Classification: Likely benign. Review status: criteria provided, single submitter. Criteria: ACMG Guidelines, 2015. Collection method: not provided. Allele origin: germline. Inheritance: Autosomal recessive inheritance. Affected: yes.

NM_016373.4(WWOX):c.*33G>C

Genes: MAF (MAF bZIP transcription factor; minus strand), WWOX (WW domain containing oxidoreductase; plus strand). Cytogenetic location: 16q23.2.
Variant type: single nucleotide variant.
Coding change: c.*33G>C on transcript NM_016373.4 (MANE Select); 33 bases downstream of the stop codon, G replaced by C.
Molecular consequence: 3 prime UTR variant.
Genome position (GRCh38, 1-based): chr16:79,211,829, G>C. VCF-style: chr16-79211829-G-C. GRCh37 (hg19) VCF-style: chr16-79245726-G-C.
Other names: c.*33G>C (NM_001291997.2).
Identifiers: ClinVar variation 916224 (VCV000916224.40), dbSNP rs11545030, ClinGen allele CA8183834.
Genomic context (GRCh38, chr16:79,211,829, plus strand): 5'-AGAACGGCTTGGCAGCCAGTCCGGCTAAGTGGAGCTCAGAGCGGATGGGCACACACACCC[G>C]CCCTGTGTGTGTCCCCTCACGCAAGTGCCAGGGCTGGGCCCCTTCCAAATGTCCCTCCAA-3'